The following is an entry in ClinVar:

NM_003105.6(SORL1):c.1214A>C (p.Tyr405Ser)

Gene: SORL1 (sortilin related receptor 1; plus strand). Cytogenetic location: 11q24.1.
Variant type: single nucleotide variant.
Coding change: c.1214A>C on transcript NM_003105.6 (MANE Select); coding-DNA position 1214, A replaced by C.
Protein change: p.Tyr405Ser; replaces tyrosine 405 with serine.
Molecular consequence: missense variant.
Genome position (GRCh38, 1-based): chr11:121,520,659, A>C. VCF-style: chr11-121520659-A-C. GRCh37 (hg19) VCF-style: chr11-121391368-A-C.
Other names: short protein forms Y405S.
Identifiers: ClinVar variation 1934641 (VCV001934641.5), dbSNP rs1211032560, ClinGen allele CA383023516.
Genomic context (GRCh38, chr11:121,520,659, plus strand): 5'-TTTACAATAACAAGCAAATACCAATTCAGGTTCATAGCTGTTTATTTTCATATTGTAGGT[A>C]TTTTGCAAATGAACCATTTGCTGACTTCCACCGAGTGGAAGGATTGCAAGGAGTCTACAT-3'
Protein context (NP_003096.2, residues 395-415): GGAGSDTLVR[Tyr405Ser]FANEPFADFH

ClinVar aggregate classification (germline): Uncertain significance (1 of 4 stars; one submission).

Allele frequency attached by ClinVar (database versions not stated): gnomAD 0.00002; TOPMed 0.00002.
gnomAD v4.1: 9 of 1,561,402 alleles (0.00058%); highest among the groups gnomAD compares: African/African-American, 0.0028%; no homozygotes.

Submission:

Labcorp Genetics (formerly Invitae), Labcorp
Classification: Uncertain significance. Last evaluated: 2022-06-22. Review status: criteria provided, single submitter. Criteria: Invitae Variant Classification Sherloc (09022015). Collection method: clinical testing. Allele origin: germline.
Comment: In summary, the available evidence is currently insufficient to determine the role of this variant in disease. Therefore, it has been classified as a Variant of Uncertain Significance. Algorithms developed to predict the effect of missense changes on protein structure and function are either unavailable or do not agree on the potential impact of this missense change (SIFT: "Deleterious"; PolyPhen-2: "Probably Damaging"; Align-GVGD: "Class C0"). This variant has not been reported in the literature in individuals affected with SORL1-related conditions. This variant is not present in population databases (gnomAD no frequency). This sequence change replaces tyrosine, which is neutral and polar, with serine, which is neutral and polar, at codon 405 of the SORL1 protein (p.Tyr405Ser).